The following is an entry in ClinVar:

ClinVar aggregate classification (germline): Uncertain significance. Review status: criteria provided, single submitter (1 of 4 stars). 2 submissions from 2 submitters: Uncertain significance (1). 1 of the submissions does not count toward it. Last evaluated 2025-02-25.

Conditions:
Deficiency of alpha-mannosidase (MANSA). Also called: Mannosidosis, alpha-, types I and II; Alpha-Mannosidosis; LYSOSOMAL ALPHA-D-MANNOSIDASE DEFICIENCY. Identifiers: Orphanet 61, MedGen C0024748, MONDO:0009561, OMIM 248500.

Allele frequency attached by ClinVar (database versions not stated): gnomAD 0.00001; TOPMed 0.00001.
gnomAD v4.1: 14 of 1,551,166 alleles (0.0009%); highest among the groups gnomAD compares: Non-Finnish European, 0.0012%; no homozygotes.

Submissions (2):

Labcorp Genetics (formerly Invitae), Labcorp
Classification: Uncertain significance for Deficiency of alpha-mannosidase. Last evaluated: 2025-02-25. Review status: criteria provided, single submitter. Criteria: Invitae Variant Classification Sherloc (09022015). Collection method: clinical testing. Allele origin: germline.
Comment: This sequence change replaces glycine, which is neutral and non-polar, with glutamic acid, which is acidic and polar, at codon 9 of the MAN2B1 protein (p.Gly9Glu). This variant is not present in population databases (gnomAD no frequency). This variant has not been reported in the literature in individuals affected with MAN2B1-related conditions. ClinVar contains an entry for this variant (Variation ID: 990514). Invitae Evidence Modeling of protein sequence and biophysical properties (such as structural, functional, and spatial information, amino acid conservation, physicochemical variation, residue mobility, and thermodynamic stability) indicates that this missense variant is not expected to disrupt MAN2B1 protein function with a negative predictive value of 95%. In summary, the available evidence is currently insufficient to determine the role of this variant in disease. Therefore, it has been classified as a Variant of Uncertain Significance.

Natera, Inc.
Classification: Uncertain significance for Alpha-mannosidosis. Last evaluated: 2020-08-17. Review status: no assertion criteria provided. Collection method: clinical testing. Allele origin: germline. Not counted in ClinVar's aggregate classification.

NM_000528.4(MAN2B1):c.26G>A (p.Gly9Glu)

Genes: MAN2B1 (mannosidase alpha class 2B member 1; minus strand), LOC130063650 (ATAC-STARR-seq lymphoblastoid silent region 10156; plus strand). Cytogenetic location: 19p13.13.
Variant type: single nucleotide variant.
Coding change: c.26G>A on transcript NM_000528.4 (MANE Select); coding-DNA position 26, G replaced by A.
Protein change: p.Gly9Glu; replaces glycine 9 with glutamic acid.
Molecular consequence: missense variant.
Genome position (GRCh38, 1-based): chr19:12,666,676, C>T on the plus strand (G>A on the coding strand, the complement: MAN2B1 is on the minus strand). VCF-style: chr19-12666676-C-T. GRCh37 (hg19) VCF-style: chr19-12777490-C-T.
Other names: c.26G>A, p.Gly9Glu (NM_001173498.2); short protein forms G9E.
Identifiers: ClinVar variation 990514 (VCV000990514.4), dbSNP rs1170799731, ClinGen allele CA404261129.